The following is an entry in ClinVar:

NM_000051.4(ATM):c.7210_7212delinsAAA (p.Tyr2404Lys)

Genes: ATM (ATM serine/threonine kinase; plus strand), C11orf65 (chromosome 11 open reading frame 65; minus strand). Cytogenetic location: 11q22.3.
Variant type: Indel.
Coding change: c.7210_7212delinsAAA on transcript NM_000051.4 (MANE Select); coding-DNA positions 7210 to 7212, TAC replaced by AAA.
Protein change: p.Tyr2404Lys; replaces tyrosine 2404 with lysine.
Molecular consequence: missense variant. On other transcripts: intron variant (2).
Genome position (GRCh38, 1-based): chr11:108,329,141-108,329,143, TAC replaced by AAA. VCF-style: chr11-108329141-TAC-AAA. GRCh37 (hg19) VCF-style: chr11-108199868-TAC-AAA.
Other names: c.7210_7212delinsAAA, p.Tyr2404Lys (NM_001351834.2); c.641-20072_641-20070delinsTTT (NM_001330368.2); c.*38+6077_*38+6079delinsTTT (NM_001351110.2); short protein forms Y2404K.
Identifiers: ClinVar variation 4170233 (VCV004170233.1).

ClinVar aggregate classification (germline): Uncertain significance (1 of 4 stars; one submission).

Conditions:
Hereditary cancer-predisposing syndrome. Also called: Neoplastic Syndromes, Hereditary; Tumor predisposition; Hereditary neoplastic syndrome; Hereditary Cancer Syndrome. Identifiers: Orphanet 140162, MedGen C0027672, MeSH D009386, MONDO:0015356.

Submission:

Ambry Genetics
Classification: Uncertain significance for Hereditary cancer-predisposing syndrome. Last evaluated: 2025-09-12. Review status: criteria provided, single submitter. Criteria: Ambry Variant Classification Scheme 2023. Collection method: clinical testing. Allele origin: germline.
Comment: The c.7210_7212delTACinsAAA variant (also known as p.Y2404K), located in coding exon 48 of the ATM gene, results from an in-frame deletion of TAC and insertion of AAA at nucleotide positions 7210 to 7212. This results in the substitution of the tyrosine residue for a lysine residue at codon 2404, an amino acid with similar properties. This amino acid position is highly conserved in available vertebrate species. In addition, this variant is predicted to be deleterious by in silico analysis (Choi Y et al. PLoS ONE. 2012; 7(10):e46688). Based on the available evidence, the clinical significance of this variant remains unclear.